The following is an entry in ClinVar:

ClinVar aggregate classification (germline): Conflicting classifications of pathogenicity. Review status: criteria provided, conflicting classifications (1 of 4 stars). 5 submissions from 4 submitters: Uncertain significance (2); Benign (1); Likely benign (2). Last evaluated 2026-06-17.

Conditions:
Hereditary cancer-predisposing syndrome. Also called: Neoplastic Syndromes, Hereditary; Hereditary Cancer Syndrome; Hereditary neoplastic syndrome; Tumor predisposition. Identifiers: Orphanet 140162, MedGen C0027672, MeSH D009386, MONDO:0015356.
Idiopathic hypereosinophilic syndrome (HES). Identifiers: Orphanet 3260, MedGen C0206141, MONDO:0011895, OMIM 607685. Disease mechanism: gain of function.
Gastrointestinal stromal tumor. Also called: Gastrointestinal stroma tumor; Gastrointestinal stromal tumor, somatic. Identifiers: Orphanet 44890, MedGen C0238198, MeSH D046152, MONDO:0011719, OMIM 606764, HP:0100723.
Polyps, multiple and recurrent inflammatory fibroid, gastrointestinal. Identifiers: MedGen C5193005, MONDO:0008285, OMIM 175510.

Allele frequency attached by ClinVar (database versions not stated): gnomAD 0.00001; gnomAD exomes 0.00001 and 0.00005.
gnomAD v4.1: 77 of 1,612,452 alleles (0.0048%); highest among the groups gnomAD compares: East Asian, 0.17%; no homozygotes.

Submissions (5):

Myriad Genetics, Inc.
Classification: Benign for Polyps, multiple and recurrent inflammatory fibroid, gastrointestinal. Last evaluated: 2026-06-17. Review status: criteria provided, single submitter. Criteria: Myriad Autosomal Dominant, Autosomal Recessive and X-Linked Classification Criteria (2023). Collection method: clinical testing. Allele origin: unknown.
Comment: This variant is considered benign. This variant is a silent/synonymous amino acid change and it is not expected to impact splicing.

Labcorp Genetics (formerly Invitae), Labcorp
Classification: Likely benign for Gastrointestinal stromal tumor. Last evaluated: 2026-01-28. Review status: criteria provided, single submitter. Criteria: Invitae Variant Classification Sherloc (09022015). Collection method: clinical testing. Allele origin: germline.

Ambry Genetics
Classification: Likely benign for Hereditary cancer-predisposing syndrome. Last evaluated: 2019-05-20. Review status: criteria provided, single submitter. Criteria: Ambry Variant Classification Scheme 2023. Collection method: clinical testing. Allele origin: germline.

Illumina Laboratory Services, Illumina
Classification: Uncertain significance for Gastrointestinal stromal tumor. Last evaluated: 2018-01-13. Review status: criteria provided, single submitter. Criteria: ICSL Variant Classification Criteria 13 December 2019. Collection method: clinical testing. Allele origin: germline.

Illumina Laboratory Services, Illumina
Classification: Uncertain significance for Idiopathic hypereosinophilic syndrome. Last evaluated: 2018-01-13. Review status: criteria provided, single submitter. Criteria: ICSL Variant Classification Criteria 13 December 2019. Collection method: clinical testing. Allele origin: germline.

NM_006206.6(PDGFRA):c.2232C>T (p.Pro744=)

Gene: PDGFRA (platelet derived growth factor receptor alpha; plus strand). Cytogenetic location: 4q12.
Variant type: single nucleotide variant.
Coding change: c.2232C>T on transcript NM_006206.6 (MANE Select); coding-DNA position 2232, C replaced by T.
Protein change: p.Pro744=; no amino-acid change (proline 744 retained).
Molecular consequence: synonymous variant.
Genome position (GRCh38, 1-based): chr4:54,280,391, C>T. VCF-style: chr4-54280391-C-T. GRCh37 (hg19) VCF-style: chr4-55146558-C-T.
Other names: c.2232C>T, p.Pro744= (NM_001347827.2, NM_001347829.2); c.2307C>T, p.Pro769= (NM_001347828.2); c.2271C>T, p.Pro757= (NM_001347830.2).
Identifiers: ClinVar variation 414516 (VCV000414516.22), dbSNP rs1060504254, ClinGen allele CA16611650.
Genomic context (GRCh38, chr4:54,280,391, plus strand): 5'-TTTTGAAAACAATGGTGACTACATGGACATGAAGCAGGCTGATACTACACAGTATGTCCC[C>T]ATGCTAGAAAGGAAAGAGGTTTCTAAATATTCCGACATCCAGAGATCACTCTATGATCGT-3'
Protein context (NP_006197.1, residues 734-754): MKQADTTQYV[Pro744=]MLERKEVSKY